The following is an entry in ClinVar:

NM_018117.12(WDR11):c.991C>A (p.Pro331Thr)

Gene: WDR11 (WD repeat domain 11; plus strand). Cytogenetic location: 10q26.12.
Variant type: single nucleotide variant.
Coding change: c.991C>A on transcript NM_018117.12 (MANE Select); coding-DNA position 991, C replaced by A.
Protein change: p.Pro331Thr; replaces proline 331 with threonine.
Molecular consequence: missense variant.
Genome position (GRCh38, 1-based): chr10:120,865,741, C>A. VCF-style: chr10-120865741-C-A. GRCh37 (hg19) VCF-style: chr10-122625253-C-A.
Other names: short protein forms P331T.
Identifiers: ClinVar variation 3332707 (VCV003332707.2).

ClinVar aggregate classification (germline): Uncertain significance. Review status: criteria provided, multiple submitters, no conflicts (2 of 4 stars). 2 submissions from 2 submitters: Uncertain significance (2). Last evaluated 2025-02-19.

Conditions:
Inborn genetic diseases. Identifiers: MedGen C0950123, MeSH D030342.

gnomAD v4.1: 11 of 1,584,896 alleles (0.00069%); highest among the groups gnomAD compares: East Asian, 0.022%; no homozygotes.

Submissions (2):

Labcorp Genetics (formerly Invitae), Labcorp
Classification: Uncertain significance. Last evaluated: 2025-02-19. Review status: criteria provided, single submitter. Criteria: Invitae Variant Classification Sherloc (09022015). Collection method: clinical testing. Allele origin: germline.
Comment: This sequence change replaces proline, which is neutral and non-polar, with threonine, which is neutral and polar, at codon 331 of the WDR11 protein (p.Pro331Thr). This variant is present in population databases (rs748458496, gnomAD 0.08%). This variant has not been reported in the literature in individuals affected with WDR11-related conditions. ClinVar contains an entry for this variant (Variation ID: 3332707). An algorithm developed to predict the effect of missense changes on protein structure and function (PolyPhen-2) suggests that this variant is likely to be tolerated. In summary, the available evidence is currently insufficient to determine the role of this variant in disease. Therefore, it has been classified as a Variant of Uncertain Significance.

Ambry Genetics
Classification: Uncertain significance for Inborn genetic diseases. Last evaluated: 2024-03-25. Review status: criteria provided, single submitter. Criteria: Ambry Variant Classification Scheme 2023. Collection method: clinical testing. Allele origin: germline.